The following is an entry in ClinVar:

NM_000038.6(APC):c.5362C>T (p.Arg1788Cys)

Gene: APC (APC regulator of Wnt signaling pathway; plus strand). Cytogenetic location: 5q22.2.
Variant type: single nucleotide variant.
Coding change: c.5362C>T on transcript NM_000038.6 (MANE Select); coding-DNA position 5362, C replaced by T.
Protein change: p.Arg1788Cys; replaces arginine 1788 with cysteine.
Molecular consequence: missense variant.
Genome position (GRCh38, 1-based): chr5:112,840,956, C>T. VCF-style: chr5-112840956-C-T. GRCh37 (hg19) VCF-style: chr5-112176653-C-T.
Other names: c.5362C>T, p.Arg1788Cys (NM_001127510.3, NM_001354895.2); c.5308C>T, p.Arg1770Cys (NM_001127511.3); c.5416C>T, p.Arg1806Cys (NM_001354896.2); c.5392C>T, p.Arg1798Cys (NM_001354897.2); c.5287C>T, p.Arg1763Cys (NM_001354898.2); c.5278C>T, p.Arg1760Cys (NM_001354899.2); c.5239C>T, p.Arg1747Cys (NM_001354900.2); c.5185C>T, p.Arg1729Cys (NM_001354901.2); and 5 more; short protein forms R1770C, R1788C, R1505C, R1628C, R1697C, R1747C, R1806C, R1763C.
Identifiers: ClinVar variation 233591 (VCV000233591.29), dbSNP rs773125634, ClinGen allele CA041675.
Genomic context (GRCh38, chr5:112,840,956, plus strand): 5'-AAGAAAAAGAAACCAACTTCACCAGTAAAACCTATACCACAAAATACTGAATATAGGACA[C>T]GTGTAAGAAAAAATGCAGACTCAAAAAATAATTTAAATGCTGAGAGAGTTTTCTCAGACA-3'
Protein context (NP_000029.2, residues 1778-1798): PIPQNTEYRT[Arg1788Cys]VRKNADSKNN

ClinVar aggregate classification (germline): Conflicting classifications of pathogenicity. Review status: criteria provided, conflicting classifications (1 of 4 stars). 7 submissions from 7 submitters: Uncertain significance (5); Likely benign (1). 1 of the submissions does not count toward it. Last evaluated 2026-01-25.

Conditions:
Familial adenomatous polyposis 1 (FAP1). Also called: FAMILIAL ADENOMATOUS POLYPOSIS 1, ATTENUATED; POLYPOSIS, ADENOMATOUS INTESTINAL. Identifiers: MedGen C2713442, MONDO:0021056, OMIM 175100. Disease mechanism: loss of function.
APC-related disorder. Also called: APC-related condition.
Hereditary cancer-predisposing syndrome. Also called: Neoplastic Syndromes, Hereditary; Tumor predisposition; Hereditary Cancer Syndrome; Hereditary neoplastic syndrome. Identifiers: Orphanet 140162, MedGen C0027672, MeSH D009386, MONDO:0015356.

Allele frequency attached by ClinVar (database versions not stated): gnomAD 0.00001; TOPMed 0.00001.
gnomAD v4.1: 10 of 1,612,794 alleles (0.00062%); highest among the groups gnomAD compares: African/African-American, 0.0054%; no homozygotes.

Submissions (7):

Labcorp Genetics (formerly Invitae), Labcorp
Classification: Uncertain significance for Familial adenomatous polyposis 1. Last evaluated: 2026-01-25. Review status: criteria provided, single submitter. Criteria: Invitae Variant Classification Sherloc (09022015). Collection method: clinical testing. Allele origin: germline.
Comment: This sequence change replaces arginine, which is basic and polar, with cysteine, which is neutral and slightly polar, at codon 1788 of the APC protein (p.Arg1788Cys). This variant is present in population databases (rs773125634, gnomAD 0.004%). This variant has not been reported in the literature in individuals affected with APC-related conditions. ClinVar contains an entry for this variant (Variation ID: 233591). Invitae Evidence Modeling of protein sequence and biophysical properties (such as structural, functional, and spatial information, amino acid conservation, physicochemical variation, residue mobility, and thermodynamic stability) indicates that this missense variant is not expected to disrupt APC protein function with a negative predictive value of 95%. In summary, the available evidence is currently insufficient to determine the role of this variant in disease. Therefore, it has been classified as a Variant of Uncertain Significance.

Ambry Genetics
Classification: Uncertain significance for Hereditary cancer-predisposing syndrome. Last evaluated: 2025-12-11. Review status: criteria provided, single submitter. Criteria: Ambry Variant Classification Scheme 2023. Collection method: clinical testing. Allele origin: germline.
Comment: The p.R1788C variant (also known as c.5362C>T), located in coding exon 15 of the APC gene, results from a C to T substitution at nucleotide position 5362. The arginine at codon 1788 is replaced by cysteine, an amino acid with highly dissimilar properties. This amino acid position is not well conserved in available vertebrate species. In addition, in silico predictors for this gene do not accurately predict pathogenicity. Missense alterations in APC are not a common cause of disease (Spier I et al. Genet Med. 2024 Feb;26(2):100992). Based on the available evidence, the clinical significance of this variant remains unclear.

Color Diagnostics, LLC DBA Color Health
Classification: Likely benign for Hereditary cancer-predisposing syndrome. Last evaluated: 2025-10-28. Review status: criteria provided, single submitter. Criteria: ACMG Guidelines, 2015. Collection method: clinical testing. Allele origin: germline.

Women's Health and Genetics/Laboratory Corporation of America, LabCorp
Classification: Uncertain significance. Last evaluated: 2025-10-07. Review status: criteria provided, single submitter. Criteria: LabCorp Variant Classification Summary - May 2015. Collection method: clinical testing. Allele origin: germline.
Comment: Variant summary: APC c.5362C>T (p.Arg1788Cys) results in a non-conservative amino acid change in the encoded protein sequence. Algorithms developed to predict the effect of missense changes on protein structure and function all suggest that this variant is likely to be disruptive. The variant allele was found at a frequency of 4e-06 in 250204 control chromosomes. The available data on variant occurrences in the general population are insufficient to allow any conclusion about variant significance. To our knowledge, no occurrence of c.5362C>T in individuals affected with APC-related conditions and no experimental evidence demonstrating its impact on protein function have been reported. ClinVar contains an entry for this variant (Variation ID: 233591). Based on the evidence outlined above, the variant was classified as uncertain significance.

Baylor Genetics
Classification: Uncertain significance for Familial adenomatous polyposis 1. Last evaluated: 2024-03-26. Review status: criteria provided, single submitter. Criteria: ACMG Guidelines, 2015. Collection method: clinical testing. Allele origin: unknown.

GeneDx
Classification: Uncertain significance. Last evaluated: 2023-03-02. Review status: criteria provided, single submitter. Criteria: GeneDx Variant Classification Process June 2021. Collection method: clinical testing. Allele origin: germline. Affected: yes.
Comment: Not observed at significant frequency in large population cohorts (gnomAD); In silico analysis supports that this missense variant does not alter protein structure/function; Has not been previously published as pathogenic or benign to our knowledge; This variant is associated with the following publications: (PMID: 18199528)

PreventionGenetics, part of Exact Sciences
Classification: Uncertain significance for APC-related condition. Last evaluated: 2024-05-15. Review status: no assertion criteria provided. Collection method: clinical testing. Allele origin: germline. Not counted in ClinVar's aggregate classification.
Comment: The APC c.5362C>T variant is predicted to result in the amino acid substitution p.Arg1788Cys. To our knowledge, this variant has not been reported in the literature. This variant is reported in 0.0046% of alleles in individuals of European (Finnish) descent in gnomAD. This variant is interpreted as a variant of uncertain significance in ClinVar. At this time, the clinical significance of this variant is uncertain due to the absence of conclusive functional and genetic evidence.